The following is an entry in ClinVar:

NM_001277115.2(DNAH11):c.11390_11393del (p.Lys3797fs)

Gene: DNAH11 (dynein axonemal heavy chain 11; plus strand). Cytogenetic location: 7p15.3.
Variant type: Microsatellite.
Coding change: c.11390_11393del on transcript NM_001277115.2 (MANE Select); coding-DNA positions 11390 to 11393, 4 bases deleted (AAGA; older notation c.11390_11393delAAGA).
Protein change: p.Lys3797fs; shifts the reading frame from lysine 3797.
Molecular consequence: frameshift variant.
Genome position (GRCh38, 1-based): chr7:21,864,551-21,864,554, AAGA deleted; deleting any 4 consecutive bases within chr7:21,864,544-21,864,554 gives the same sequence; the c. name uses the placement nearest the transcript's 3' end. VCF-style (leftmost placement, unchanged base first): chr7-21864543-GAGAA-G. GRCh37 (hg19) VCF-style: chr7-21904161-GAGAA-G.
Other names: NM_001277115.2:c.11390_11393del; short protein forms K3797fs.
Identifiers: ClinVar variation 3776946 (VCV003776946.1).

ClinVar aggregate classification (germline): Pathogenic (1 of 4 stars; one submission).

Conditions:
Primary ciliary dyskinesia 7. Also called: CILIARY DYSKINESIA, PRIMARY, 7, WITH OR WITHOUT SITUS INVERSUS. Identifiers: Orphanet 244, MedGen C2678473, MONDO:0012748, OMIM 611884.

Submission:

Broad Center for Mendelian Genomics, Broad Institute of MIT and Harvard
Classification: Pathogenic for Primary ciliary dyskinesia 7. Last evaluated: 2025-02-19. Review status: criteria provided, single submitter. Criteria: ACMG Guidelines, 2015. Collection method: curation. Allele origin: germline. Inheritance: Autosomal recessive inheritance.
Comment: The p.Lys3797ArgfsTer2 variant in DNAH11 has been reported in 1 individual with primary ciliary dyskinesia (PMID: 33577779), and has been identified in 0.00008% (1/1178442) of European (non-Finnish) chromosomes by the Genome Aggregation Database (gnomAD). Trio exome analysis showed this variant to be de novo. Although this variant has been seen in the general population in a heterozygous state, its frequency is low enough to be consistent with a recessive carrier frequency. This variant is predicted to cause a frameshift, which alters the protein‚Äôs amino acid sequence beginning at position 3797 and leads to a premature termination codon 2 amino acids downstream. This alteration is then predicted to lead to a truncated or absent protein. Loss of function of the DNAH11 gene is an established disease mechanism in autosomal recessive primary ciliary dyskinesia. In summary, this variant meets criteria to be classified as pathogenic for autosomal recessive primary ciliary dyskinesia. ACMG/AMP Criteria applied: PVS1, PS2_supporting, PM2_supporting (Richards 2015).